The following is an entry in ClinVar:

ClinVar aggregate classification (germline): Uncertain significance (1 of 4 stars; one submission).

Conditions:
Immunodeficiency, common variable, 7. Identifiers: Orphanet 1572, Orphanet 696894, MedGen C3542922, MONDO:0013862, OMIM 614699.

Allele frequency attached by ClinVar (database versions not stated): gnomAD exomes below 0.00001 and 0.00001; gnomAD 0.00001.
gnomAD v4.1: 11 of 1,612,900 alleles (0.00068%); highest among the groups gnomAD compares: Non-Finnish European, 0.00085%; no homozygotes.

Submission:

Labcorp Genetics (formerly Invitae), Labcorp
Classification: Uncertain significance for Immunodeficiency, common variable, 7. Last evaluated: 2026-01-26. Review status: criteria provided, single submitter. Criteria: Invitae Variant Classification Sherloc (09022015). Collection method: clinical testing. Allele origin: germline.
Comment: This sequence change replaces isoleucine, which is neutral and non-polar, with valine, which is neutral and non-polar, at codon 513 of the CR2 protein (p.Ile513Val). This variant is present in population databases (no rsID available, gnomAD 0.0009%). This variant has not been reported in the literature in individuals affected with CR2-related conditions. ClinVar contains an entry for this variant (Variation ID: 834569). An algorithm developed to predict the effect of missense changes on protein structure and function outputs the following: PolyPhen-2: "Benign". The valine amino acid residue is found in multiple mammalian species, which suggests that this missense change does not adversely affect protein function. In summary, the available evidence is currently insufficient to determine the role of this variant in disease. Therefore, it has been classified as a Variant of Uncertain Significance.

NM_001006658.3(CR2):c.1537A>G (p.Ile513Val)

Gene: CR2 (complement C3d receptor 2; plus strand). Cytogenetic location: 1q32.2.
Variant type: single nucleotide variant.
Coding change: c.1537A>G on transcript NM_001006658.3 (MANE Select); coding-DNA position 1537, A replaced by G.
Protein change: p.Ile513Val; replaces isoleucine 513 with valine.
Molecular consequence: missense variant.
Genome position (GRCh38, 1-based): chr1:207,471,466, A>G. VCF-style: chr1-207471466-A-G. GRCh37 (hg19) VCF-style: chr1-207644811-A-G.
Other names: c.1537A>G, p.Ile513Val (NM_001877.5); short protein forms I513V.
Identifiers: ClinVar variation 834569 (VCV000834569.2), dbSNP rs1210123747, ClinGen allele CA344531614.